The following is an entry in ClinVar:

NM_018834.6(MATR3):c.-178+203C>G

Gene: MATR3 (matrin 3; plus strand). Cytogenetic location: 5q31.2.
Variant type: single nucleotide variant.
Coding change: c.-178+203C>G on transcript NM_018834.6 (MANE Select); 203 bases into the intron after 178 bases upstream of the start codon, C replaced by G.
Molecular consequence: intron variant. On other transcripts: 5 prime UTR variant (6), missense variant (1).
Genome position (GRCh38, 1-based): chr5:139,294,008, C>G. VCF-style: chr5-139294008-C-G. GRCh37 (hg19) VCF-style: chr5-138629697-C-G.
Other names: c.-198C>G (NM_001194955.2); c.28C>G, p.Gln10Glu (NM_001194956.2); c.-1167C>G (NM_001400445.1); c.-786C>G (NM_001400457.1); c.-790C>G (NM_001400458.1); c.-1092C>G (NM_001400466.1); c.-1030C>G (NM_001400467.1); c.-178+433C>G (NM_001400451.1, NM_001400455.1, NM_001400452.1 and 3 more transcripts); and 7 more; short protein forms Q10E.
Identifiers: ClinVar variation 5000513 (VCV005000513.1).

ClinVar aggregate classification (germline): Uncertain significance (1 of 4 stars; one submission).

Conditions:
MATR3-related disorder. Also called: MATR3-related condition.

Submission:

PreventionGenetics, part of Exact Sciences
Classification: Uncertain significance for MATR3-related condition. Last evaluated: 2025-07-10. Review status: criteria provided, single submitter. Criteria: ACMG Guidelines, 2015. Collection method: clinical testing. Allele origin: germline.
Comment: The MATR3 c.28C>G variant is predicted to result in the amino acid substitution p.Gln10Glu. To our knowledge, this variant has not been reported in the literature or in a large population database (gnomAD), indicating this variant is rare. At this time, the clinical significance of this variant is uncertain due to the absence of conclusive functional and genetic evidence.